The following is an entry in ClinVar:

ClinVar aggregate classification (germline): Uncertain significance. Review status: criteria provided, multiple submitters, no conflicts (2 of 4 stars). 2 submissions from 2 submitters: Uncertain significance (2). Last evaluated 2025-10-22.

Conditions:
Hereditary cancer-predisposing syndrome. Also called: Hereditary neoplastic syndrome; Tumor predisposition; Hereditary Cancer Syndrome; Neoplastic Syndromes, Hereditary. Identifiers: Orphanet 140162, MedGen C0027672, MeSH D009386, MONDO:0015356.
Tuberous sclerosis 2 (TSC2). Identifiers: Orphanet 805, MedGen C1860707, MONDO:0013199, OMIM 613254.

Submissions (2):

Ambry Genetics
Classification: Uncertain significance for Hereditary cancer-predisposing syndrome. Last evaluated: 2025-10-22. Review status: criteria provided, single submitter. Criteria: Ambry Variant Classification Scheme 2023. Collection method: clinical testing. Allele origin: germline.
Comment: The p.F1499L variant (also known as c.4497C>G), located in coding exon 34 of the TSC2 gene, results from a C to G substitution at nucleotide position 4497. The phenylalanine at codon 1499 is replaced by leucine, an amino acid with highly similar properties. This amino acid position is highly conserved in available vertebrate species. In addition, this alteration is predicted to be deleterious by in silico analysis. Based on the available evidence, the clinical significance of this variant remains unclear.

Labcorp Genetics (formerly Invitae), Labcorp
Classification: Uncertain significance for Tuberous sclerosis 2. Last evaluated: 2022-03-10. Review status: criteria provided, single submitter. Criteria: Invitae Variant Classification Sherloc (09022015). Collection method: clinical testing. Allele origin: germline.
Comment: In summary, the available evidence is currently insufficient to determine the role of this variant in disease. Therefore, it has been classified as a Variant of Uncertain Significance. Advanced modeling of protein sequence and biophysical properties (such as structural, functional, and spatial information, amino acid conservation, physicochemical variation, residue mobility, and thermodynamic stability) performed at Invitae indicates that this missense variant is not expected to disrupt TSC2 protein function. ClinVar contains an entry for this variant (Variation ID: 579299). This variant has not been reported in the literature in individuals affected with TSC2-related conditions. This variant is not present in population databases (gnomAD no frequency). This sequence change replaces phenylalanine, which is neutral and non-polar, with leucine, which is neutral and non-polar, at codon 1499 of the TSC2 protein (p.Phe1499Leu).

NM_000548.5(TSC2):c.4497C>G (p.Phe1499Leu)

Gene: TSC2 (TSC complex subunit 2; plus strand). Cytogenetic location: 16p13.3.
Variant type: single nucleotide variant.
Coding change: c.4497C>G on transcript NM_000548.5 (MANE Select); coding-DNA position 4497, C replaced by G.
Protein change: p.Phe1499Leu; replaces phenylalanine 1499 with leucine.
Molecular consequence: missense variant.
Genome position (GRCh38, 1-based): chr16:2,084,954, C>G. VCF-style: chr16-2084954-C-G. GRCh37 (hg19) VCF-style: chr16-2134955-C-G.
Other names: c.4296C>G, p.Phe1432Leu (NM_001077183.3); c.4428C>G, p.Phe1476Leu (NM_001114382.3); c.4188C>G, p.Phe1396Leu (NM_001318827.2); c.4152C>G, p.Phe1384Leu (NM_001318829.2); c.3765C>G, p.Phe1255Leu (NM_001318831.2); c.4329C>G, p.Phe1443Leu (NM_001318832.2); c.4299C>G, p.Phe1433Leu (NM_001363528.2); c.4365C>G, p.Phe1455Leu (NM_001370404.1); and 1 more; short protein forms F1499L, F1255L, F1443L, F1476L, F1433L, F1432L, F1455L, F1456L.
Identifiers: ClinVar variation 579299 (VCV000579299.11), dbSNP rs372974007, ClinGen allele CA394302692.
Genomic context (GRCh38, chr16:2,084,954, plus strand): 5'-CTGTGGCTGCCCTGGCCAGGCCCTCACCTGGGTGCCCACCATCCCCTCCCTGTGCAGTTT[C>G]GTGTTCCTGCAGCTCTACCATTCCCCCTTCTTTGGCGACGAGTCAAACAAGCCAATCCTG-3'
Protein context (NP_000539.2, residues 1489-1509): AEKVPGINPS[Phe1499Leu]VFLQLYHSPF